The following is an entry in ClinVar:

ClinVar aggregate classification (germline): Uncertain significance (1 of 4 stars; one submission).

Submission:

Labcorp Genetics (formerly Invitae), Labcorp
Classification: Uncertain significance. Last evaluated: 2025-10-04. Review status: criteria provided, single submitter. Criteria: Invitae Variant Classification Sherloc (09022015). Collection method: clinical testing. Allele origin: germline.
Comment: This sequence change replaces aspartic acid, which is acidic and polar, with tyrosine, which is neutral and polar, at codon 241 of the MOCS3 protein (p.Asp241Tyr). Information on the frequency of this variant in the gnomAD database is not available, as this variant may be reported differently in the database. This variant has not been reported in the literature in individuals affected with MOCS3-related conditions. Experimental studies and prediction algorithms are not available or were not evaluated, and the functional significance of this variant is currently unknown. In summary, the available evidence is currently insufficient to determine the role of this variant in disease. Therefore, it has been classified as a Variant of Uncertain Significance.

NM_014484.5(MOCS3):c.720_721delinsAT (p.Asp241Tyr)

Gene: MOCS3 (molybdenum cofactor synthesis 3; plus strand). Cytogenetic location: 20q13.13.
Variant type: Indel.
Coding change: c.720_721delinsAT on transcript NM_014484.5 (MANE Select); coding-DNA positions 720 to 721, GG replaced by AT.
Protein change: p.Asp241Tyr; replaces aspartic acid 241 with tyrosine.
Molecular consequence: missense variant.
Genome position (GRCh38, 1-based): chr20:50,959,562-50,959,563, GG replaced by AT. VCF-style: chr20-50959562-GG-AT. GRCh37 (hg19) VCF-style: chr20-49576099-GG-AT.
Other names: short protein forms D241Y.
Identifiers: ClinVar variation 4728442 (VCV004728442.1).
Genomic context (GRCh38, chr20:50,959,562, plus strand): 5'-CCCTTGCTATCGCTGCATATTCCCCCAACCACCCCCAGCGGAGACAGTGACCAACTGCGC[GG>AT]ACGGCGGGGTGCTCGGTGTCGTTACCGGGGTCCTGGGCTGCCTGCAGGCCTTGGAAGTGC-3'
Protein context (NP_055299.1, residues 231-251): PPAETVTNCA[Asp241Tyr]GGVLGVVTGV